The following is an entry in ClinVar:

ClinVar aggregate classification (germline): Likely benign (1 of 4 stars; one submission).

Submission:

CeGaT Center for Human Genetics Tuebingen
Classification: Likely benign. Last evaluated: 2024-08-01. Review status: criteria provided, single submitter. Criteria: CeGaT Center For Human Genetics Tuebingen Variant Classification Criteria Version 2. Collection method: clinical testing. Allele origin: germline. Affected: yes. Observed: 1 variant allele.
Comment: BRWD1: BP4

NM_033656.4(BRWD1):c.2757T>G (p.Pro919=)

Gene: BRWD1 (bromodomain and WD repeat domain containing 1; minus strand). Cytogenetic location: 21q22.2.
Variant type: single nucleotide variant.
Coding change: c.2757T>G on transcript NM_033656.4 (MANE Select); coding-DNA position 2757, T replaced by G.
Protein change: p.Pro919=; no amino-acid change (proline 919 retained).
Molecular consequence: synonymous variant.
Genome position (GRCh38, 1-based): chr21:39,236,604, A>C on the plus strand (T>G on the coding strand, the complement: BRWD1 is on the minus strand). VCF-style: chr21-39236604-A-C. GRCh37 (hg19) VCF-style: chr21-40608530-A-C.
Other names: c.2757T>G, p.Pro919= (NM_018963.5).
Identifiers: ClinVar variation 3341682 (VCV003341682.16).